The following is an entry in ClinVar:

ClinVar aggregate classification (germline): Uncertain significance (1 of 4 stars; one submission).

Allele frequency attached by ClinVar (database versions not stated): gnomAD exomes below 0.00001.
gnomAD v4.1: 6 of 1,614,230 alleles (0.00037%); highest among the groups gnomAD compares: Non-Finnish European, 0.00051%; no homozygotes.

Submission:

Labcorp Genetics (formerly Invitae), Labcorp
Classification: Uncertain significance. Last evaluated: 2022-08-01. Review status: criteria provided, single submitter. Criteria: Invitae Variant Classification Sherloc (09022015). Collection method: clinical testing. Allele origin: germline.
Comment: This sequence change replaces glutamine, which is neutral and polar, with leucine, which is neutral and non-polar, at codon 318 of the ASAH1 protein (p.Gln318Leu). This variant is not present in population databases (gnomAD no frequency). This variant has not been reported in the literature in individuals affected with ASAH1-related conditions. Algorithms developed to predict the effect of missense changes on protein structure and function (SIFT, PolyPhen-2, Align-GVGD) all suggest that this variant is likely to be disruptive. In summary, the available evidence is currently insufficient to determine the role of this variant in disease. Therefore, it has been classified as a Variant of Uncertain Significance.

NM_177924.5(ASAH1):c.953A>T (p.Gln318Leu)

Gene: ASAH1 (N-acylsphingosine amidohydrolase 1; minus strand). Cytogenetic location: 8p22.
Variant type: single nucleotide variant.
Coding change: c.953A>T on transcript NM_177924.5 (MANE Select); coding-DNA position 953, A replaced by T.
Protein change: p.Gln318Leu; replaces glutamine 318 with leucine.
Molecular consequence: missense variant.
Genome position (GRCh38, 1-based): chr8:18,059,429, T>A on the plus strand (A>T on the coding strand, the complement: ASAH1 is on the minus strand). VCF-style: chr8-18059429-T-A. GRCh37 (hg19) VCF-style: chr8-17916938-T-A.
Other names: c.935A>T, p.Gln312Leu (NM_001127505.3); c.758A>T, p.Gln253Leu (NM_001363743.2); c.1001A>T, p.Gln334Leu (NM_004315.6); short protein forms Q253L, Q312L, Q318L, Q334L.
Identifiers: ClinVar variation 1713814 (VCV001713814.5), dbSNP rs2537916027, ClinGen allele CA370427547.
Genomic context (GRCh38, chr8:18,059,429, plus strand): 5'-TTTGCAGGCGTTCTGCGATCATCAAGGAAGAAGGGATGTTTCCAACGGTCATAATTTGTT[T>A]GTACCACATACCATCTACCCTGCTTAGCATCGAGTCTAGATACAAAAGGAGAGATTCCCT-3'
Protein context (NP_808592.2, residues 308-328): DAKQGRWYVV[Gln318Leu]TNYDRWKHPF